The following is an entry in ClinVar:

ClinVar aggregate classification (germline): Conflicting classifications of pathogenicity. Review status: criteria provided, conflicting classifications (1 of 4 stars). 3 submissions from 3 submitters: Uncertain significance (1); Benign (1). 1 of the submissions does not count toward it. Last evaluated 2024-03-01.

Allele frequency attached by ClinVar (database versions not stated): ExAC 0.00213.

Submissions (3):

Blueprint Genetics
Classification: Benign. Last evaluated: 2024-03-01. Review status: criteria provided, single submitter. Criteria: ACMG Guidelines, 2015. Collection method: clinical testing. Allele origin: germline.

Breakthrough Genomics
Classification: Uncertain significance. Review status: criteria provided, single submitter. Criteria: ACMG Guidelines, 2015. Collection method: not provided. Allele origin: germline. Inheritance: Autosomal recessive inheritance. Affected: yes.

Department of Pathology and Laboratory Medicine, Sinai Health System
Classification: Uncertain significance. Review status: no assertion criteria provided. Collection method: clinical testing. Allele origin: unknown. Affected: yes. Study: The Canadian Open Genetics Repository (COGR). Not counted in ClinVar's aggregate classification.
Comment: The ESPN p.Pro275Ala variant was not identified in the literature nor was it identified in ClinVar or LOVD 3.0. The variant was identified in dbSNP (ID: rs3817921) and Cosmic (FATHMM prediction: pathogenic; score=0.92). The variant was also identified in control databases in 81 of 113056 chromosomes at a frequency of 0.000716 (Genome Aggregation Database Feb 27, 2017). The variant was observed in the following populations: Ashkenazi Jewish in 21 of 6494 chromosomes (freq: 0.003234), Other in 4 of 3168 chromosomes (freq: 0.001263), Latino in 15 of 20610 chromosomes (freq: 0.000728), African in 2 of 3102 chromosomes (freq: 0.000645), European (non-Finnish) in 28 of 45982 chromosomes (freq: 0.000609), European (Finnish) in 4 of 6986 chromosomes (freq: 0.000573), East Asian in 3 of 7688 chromosomes (freq: 0.00039), and South Asian in 4 of 19026 chromosomes (freq: 0.00021). The p.Pro275 residue is not conserved in mammals and computational analyses (PolyPhen-2, SIFT, AlignGVGD, BLOSUM, MutationTaster) provide inconsistent predictions regarding the impact to the protein; this information is not very predictive of pathogenicity. The variant occurs outside of the splicing consensus sequence and in silico or computational prediction software programs (SpliceSiteFinder, MaxEntScan, NNSPLICE, GeneSplicer) do not predict a difference in splicing. In summary, based on the above information the clinical significance of this variant cannot be determined with certainty at this time. This variant is classified as a variant of uncertain significance.

NM_031475.3(ESPN):c.823C>G (p.Pro275Ala)

Gene: ESPN (espin; plus strand). Cytogenetic location: 1p36.31.
Variant type: single nucleotide variant.
Coding change: c.823C>G on transcript NM_031475.3 (MANE Select); coding-DNA position 823, C replaced by G.
Protein change: p.Pro275Ala; replaces proline 275 with alanine.
Molecular consequence: missense variant.
Genome position (GRCh38, 1-based): chr1:6,440,773, C>G. VCF-style: chr1-6440773-C-G. GRCh37 (hg19) VCF-style: chr1-6500833-C-G.
Other names: c.823C>G, p.Pro275Ala (NM_001367473.1, NM_001367474.1); short protein forms P275A.
Identifiers: ClinVar variation 1048984 (VCV001048984.3), dbSNP rs3817921, ClinGen allele CA560000.